The following is an entry in ClinVar:

NM_000071.3(CBS):c.1146-3C>T

Gene: CBS (cystathionine beta-synthase; minus strand). Cytogenetic location: 21q22.3.
Variant type: single nucleotide variant.
Coding change: c.1146-3C>T on transcript NM_000071.3 (MANE Select); 3 bases into the intron before coding-DNA position 1146, C replaced by T.
Molecular consequence: intron variant.
Genome position (GRCh38, 1-based): chr21:43,059,306, G>A on the plus strand (C>T on the coding strand, the complement: CBS is on the minus strand). VCF-style: chr21-43059306-G-A. GRCh37 (hg19) VCF-style: chr21-44479416-G-A.
Other names: c.1146-3C>T (NM_001320298.2, NM_001178009.3, NM_001178008.3); c.831-3C>T (NM_001321072.1).
Identifiers: ClinVar variation 1055124 (VCV001055124.48), dbSNP rs2146344469, ClinGen allele CA2499225915.
Genomic context (GRCh38, chr21:43,059,306, plus strand): 5'-GTCCTCCTCCTTCAGAAAGCCCTTCTGCAGCATCCACCTGTCGCTCAGGAACTTGGTCCT[G>A]CGGGATGGGGGAGTCACCGAGTCCCCGCAGGGCCCCACCGGGCCCCCGCCCCTGCTGAGT-3'

ClinVar aggregate classification (germline): Uncertain significance (1 of 4 stars; one submission).

Conditions:
HYPERHOMOCYSTEINEMIA, THROMBOTIC, CBS-RELATED. Identifiers: MedGen C3150344, OMIM 236200.

Submission:

Labcorp Genetics (formerly Invitae), Labcorp
Classification: Uncertain significance for HYPERHOMOCYSTEINEMIA, THROMBOTIC, CBS-RELATED. Last evaluated: 2020-01-25. Review status: criteria provided, single submitter. Criteria: Invitae Variant Classification Sherloc (09022015). Collection method: clinical testing. Allele origin: germline.
Comment: In summary, the available evidence is currently insufficient to determine the role of this variant in disease. Therefore, it has been classified as a Variant of Uncertain Significance. Nucleotide substitutions within the consensus splice site are a relatively common cause of aberrant splicing (PMID: 17576681, 9536098). Algorithms developed to predict the effect of sequence changes on RNA splicing suggest that this variant may create or strengthen a splice site, but this prediction has not been confirmed by published transcriptional studies. This variant has not been reported in the literature in individuals with CBS-related conditions. This variant is not present in population databases (ExAC no frequency). This sequence change falls in intron 12 of the CBS gene. It does not directly change the encoded amino acid sequence of the CBS protein, but it affects a nucleotide within the consensus splice site of the intron.

Literature cited by the submitters: PubMed 17576681; PubMed 9536098.